The following is an entry in ClinVar:

ClinVar aggregate classification (germline): Conflicting classifications of pathogenicity. Review status: criteria provided, conflicting classifications (1 of 4 stars). 3 submissions from 3 submitters: Pathogenic (1); Likely pathogenic (1); Uncertain significance (1). Last evaluated 2025-12-11.

Conditions:
Argininosuccinate lyase deficiency. Also called: Argininosuccinic aciduria; ARGININOSUCCINIC ACID LYASE DEFICIENCY; ASL DEFICIENCY. Identifiers: Orphanet 23, MedGen C0268547, MONDO:0008815, OMIM 207900, HP:0025630.

Allele frequency attached by ClinVar (database versions not stated): gnomAD exomes below 0.00001.
gnomAD v4.1: 1 of 1,614,066 alleles (0.000062%); highest among the groups gnomAD compares: Non-Finnish European, 0.000085%; no homozygotes.

Submissions (3):

Myriad Genetics, Inc.
Classification: Uncertain significance for Argininosuccinate lyase deficiency. Last evaluated: 2025-12-11. Review status: criteria provided, single submitter. Criteria: Myriad Autosomal Dominant, Autosomal Recessive and X-Linked Classification Criteria (2023). Collection method: clinical testing. Allele origin: unknown.
Comment: NM_001024943.1(ASL):c.762C>A(S254R) is a missense variant classified as a variant of uncertain significance in the context of argininosuccinic aciduria. S254R has been observed in a case with relevant disease (PMID: 24166829). Relevant functional assessments of this variant are not available in the literature. S254R has not been observed in referenced population frequency databases. In summary, there is insufficient evidence to classify NM_001024943.1(ASL):c.762C>A(S254R) as pathogenic or benign. Please note: this variant was assessed in the context of healthy population screening.

Fulgent Genetics
Classification: Likely pathogenic for Argininosuccinate lyase deficiency. Last evaluated: 2024-06-19. Review status: criteria provided, single submitter. Criteria: ACMG Guidelines, 2015. Collection method: clinical testing. Allele origin: germline.

SNPedia
Classification: Pathogenic for Argininosuccinate lyase deficiency. Review status: criteria provided, single submitter. Criteria: Linnebank et al. (Hum Genet. 2002). Collection method: literature only. Allele origin: germline. Affected: yes.

Literature cited by the submitters: PubMed 24166829 (cited by Myriad Genetics, Inc.).

NM_000048.4(ASL):c.762C>A (p.Ser254Arg)

Gene: ASL (argininosuccinate lyase; plus strand). Cytogenetic location: 7q11.21.
Variant type: single nucleotide variant.
Coding change: c.762C>A on transcript NM_000048.4 (MANE Select); coding-DNA position 762, C replaced by A.
Protein change: p.Ser254Arg; replaces serine 254 with arginine.
Molecular consequence: missense variant.
Genome position (GRCh38, 1-based): chr7:66,088,850, C>A. VCF-style: chr7-66088850-C-A. GRCh37 (hg19) VCF-style: chr7-65553837-C-A.
Other names: c.762C>A, p.Ser254Arg (NM_001024943.2, NM_001024944.2); c.684C>A, p.Ser228Arg (NM_001024946.2); short protein forms S254R, S228R.
Identifiers: ClinVar variation 224976 (VCV000224976.3), dbSNP rs869312991, ClinGen allele CA357217.